The following is an entry in ClinVar:

NM_006922.4(SCN3A):c.962A>T (p.Asp321Val)

Gene: SCN3A (sodium voltage-gated channel alpha subunit 3; minus strand). Cytogenetic location: 2q24.3.
Variant type: single nucleotide variant.
Coding change: c.962A>T on transcript NM_006922.4 (MANE Select); coding-DNA position 962, A replaced by T.
Protein change: p.Asp321Val; replaces aspartic acid 321 with valine.
Molecular consequence: missense variant.
Genome position (GRCh38, 1-based): chr2:165,162,561, T>A on the plus strand (A>T on the coding strand, the complement: SCN3A is on the minus strand). VCF-style: chr2-165162561-T-A. GRCh37 (hg19) VCF-style: chr2-166019071-T-A.
Other names: c.962A>T, p.Asp321Val (NM_001081676.2, NM_001081677.2); short protein forms D321V.
Identifiers: ClinVar variation 1386132 (VCV001386132.8), dbSNP rs2105889789, ClinGen allele CA349238854.

ClinVar aggregate classification (germline): Uncertain significance (1 of 4 stars; one submission).

Submission:

Labcorp Genetics (formerly Invitae), Labcorp
Classification: Uncertain significance. Last evaluated: 2021-04-09. Review status: criteria provided, single submitter. Criteria: Invitae Variant Classification Sherloc (09022015). Collection method: clinical testing. Allele origin: germline.
Comment: In summary, the available evidence is currently insufficient to determine the role of this variant in disease. Therefore, it has been classified as a Variant of Uncertain Significance. Algorithms developed to predict the effect of missense changes on protein structure and function are either unavailable or do not agree on the potential impact of this missense change (SIFT: "Deleterious"; PolyPhen-2: "Benign"; Align-GVGD: "Class C0"). This variant has been observed in individual(s) with clinical features of SCN3A-related conditions (Invitae). This variant is not present in population databases (ExAC no frequency). This sequence change replaces aspartic acid with valine at codon 321 of the SCN3A protein (p.Asp321Val). The aspartic acid residue is moderately conserved and there is a large physicochemical difference between aspartic acid and valine.